The following is an entry in ClinVar:

NM_005732.4(RAD50):c.1420A>T (p.Ile474Phe)

Gene: RAD50 (RAD50 double strand break repair protein; plus strand). Cytogenetic location: 5q31.1.
Variant type: single nucleotide variant.
Coding change: c.1420A>T on transcript NM_005732.4 (MANE Select); coding-DNA position 1420, A replaced by T.
Protein change: p.Ile474Phe; replaces isoleucine 474 with phenylalanine.
Molecular consequence: missense variant.
Genome position (GRCh38, 1-based): chr5:132,589,805, A>T. VCF-style: chr5-132589805-A-T. GRCh37 (hg19) VCF-style: chr5-131925497-A-T.
Other names: short protein forms I474F.
Identifiers: ClinVar variation 1996469 (VCV001996469.4), dbSNP rs1255581056, ClinGen allele CA360944823.
Genomic context (GRCh38, chr5:132,589,805, plus strand): 5'-CAGAATGAGCTGAAAAATGTGAAGTATGAATTACAGCAGTTGGAAGGATCTTCAGACAGG[A>T]TTCTTGAACTGGACCAGGAGCTCATAAAAGCTGTAAGATATTGTTTGAATAATCTAATAA-3'
Protein context (NP_005723.2, residues 464-484): LQQLEGSSDR[Ile474Phe]LELDQELIKA

ClinVar aggregate classification (germline): Uncertain significance (1 of 4 stars; one submission).

Conditions:
Hereditary cancer-predisposing syndrome. Also called: Neoplastic Syndromes, Hereditary; Hereditary neoplastic syndrome; Tumor predisposition; Hereditary Cancer Syndrome. Identifiers: Orphanet 140162, MedGen C0027672, MeSH D009386, MONDO:0015356.

Allele frequency attached by ClinVar (database versions not stated): gnomAD exomes below 0.00001.
gnomAD v4.1: 3 of 1,613,592 alleles (0.00019%); highest among the groups gnomAD compares: African/African-American, 0.004%; no homozygotes.

Submission:

Labcorp Genetics (formerly Invitae), Labcorp
Classification: Uncertain significance for Hereditary cancer-predisposing syndrome. Last evaluated: 2022-08-09. Review status: criteria provided, single submitter. Criteria: Invitae Variant Classification Sherloc (09022015). Collection method: clinical testing. Allele origin: germline.
Comment: This sequence change replaces isoleucine, which is neutral and non-polar, with phenylalanine, which is neutral and non-polar, at codon 474 of the RAD50 protein (p.Ile474Phe). This variant is present in population databases (no rsID available, gnomAD 0.007%). This variant has not been reported in the literature in individuals affected with RAD50-related conditions. Algorithms developed to predict the effect of missense changes on protein structure and function (SIFT, PolyPhen-2, Align-GVGD) all suggest that this variant is likely to be tolerated. In summary, the available evidence is currently insufficient to determine the role of this variant in disease. Therefore, it has been classified as a Variant of Uncertain Significance.